The following is an entry in ClinVar:

ClinVar aggregate classification (germline): Uncertain significance (1 of 4 stars; one submission).

Submission:

Labcorp Genetics (formerly Invitae), Labcorp
Classification: Uncertain significance. Last evaluated: 2022-08-22. Review status: criteria provided, single submitter. Criteria: Invitae Variant Classification Sherloc (09022015). Collection method: clinical testing. Allele origin: germline.
Comment: In summary, the available evidence is currently insufficient to determine the role of this variant in disease. Therefore, it has been classified as a Variant of Uncertain Significance. Algorithms developed to predict the effect of missense changes on protein structure and function are either unavailable or do not agree on the potential impact of this missense change (SIFT: "Not Available"; PolyPhen-2: "Benign"; Align-GVGD: "Not Available"). This variant has not been reported in the literature in individuals affected with EPS8-related conditions. This variant is not present in population databases (gnomAD no frequency). This sequence change replaces alanine, which is neutral and non-polar, with valine, which is neutral and non-polar, at codon 598 of the EPS8 protein (p.Ala598Val).

NM_004447.6(EPS8):c.1793C>T (p.Ala598Val)

Gene: EPS8 (EGFR pathway substrate 8, signaling adaptor; minus strand). Cytogenetic location: 12p12.3.
Variant type: single nucleotide variant.
Coding change: c.1793C>T on transcript NM_004447.6 (MANE Select); coding-DNA position 1793, C replaced by T.
Protein change: p.Ala598Val; replaces alanine 598 with valine.
Molecular consequence: missense variant.
Genome position (GRCh38, 1-based): chr12:15,640,731, G>A on the plus strand (C>T on the coding strand, the complement: EPS8 is on the minus strand). VCF-style: chr12-15640731-G-A. GRCh37 (hg19) VCF-style: chr12-15793665-G-A.
Other names: short protein forms A598V.
Identifiers: ClinVar variation 1717674 (VCV001717674.5), dbSNP rs2540277556, ClinGen allele CA384026562.